The following is an entry in ClinVar:

NM_014712.3(SETD1A):c.4358dup (p.Thr1454fs)

Gene: SETD1A (SET domain containing 1A, histone lysine methyltransferase; plus strand). Cytogenetic location: 16p11.2.
Variant type: Duplication.
Coding change: c.4358dup on transcript NM_014712.3 (MANE Select); coding-DNA position 4358, one base duplicated (A; older notation c.4358dupA).
Protein change: p.Thr1454fs; shifts the reading frame from threonine 1454.
Molecular consequence: frameshift variant.
Genome position (GRCh38, 1-based): chr16:30,980,144, A duplicated. VCF-style (leftmost placement, unchanged base first): chr16-30980143-C-CA. GRCh37 (hg19) VCF-style: chr16-30991464-C-CA.
Other names: short protein forms T1454fs.
Identifiers: ClinVar variation 3764629 (VCV003764629.1).

ClinVar aggregate classification (germline): Pathogenic (1 of 4 stars; one submission).

Conditions:
SETD1A-related disorder. Also called: SETD1A-related condition.

Submission:

Daryl Scott Lab, Baylor College of Medicine
Classification: Pathogenic for SETD1A-related disorder. Last evaluated: 2024-01-01. Review status: criteria provided, single submitter. Criteria: ACMG Guidelines, 2015. Collection method: clinical testing. Allele origin: maternal. Affected: yes. Observed: 1 heterozygote.
Comment: PVS1, PM2